The following is an entry in ClinVar:

NM_000069.3(CACNA1S):c.3191T>C (p.Val1064Ala)

Gene: CACNA1S (calcium voltage-gated channel subunit alpha1 S; minus strand). Cytogenetic location: 1q32.1.
Variant type: single nucleotide variant.
Coding change: c.3191T>C on transcript NM_000069.3 (MANE Select); coding-DNA position 3191, T replaced by C.
Protein change: p.Val1064Ala; replaces valine 1064 with alanine.
Molecular consequence: missense variant.
Genome position (GRCh38, 1-based): chr1:201,061,331, A>G on the plus strand (T>C on the coding strand, the complement: CACNA1S is on the minus strand). VCF-style: chr1-201061331-A-G. GRCh37 (hg19) VCF-style: chr1-201030459-A-G.
Other names: short protein forms V1064A.
Identifiers: ClinVar variation 3069889 (VCV003069889.1), dbSNP rs2464497476, ClinGen allele CA344162002.

ClinVar aggregate classification (germline): Uncertain significance (1 of 4 stars; one submission).

Conditions:
Malignant hyperthermia, susceptibility to, 5 (MHS5). Also called: CACNA1S-Related Malignant Hyperthermia Susceptibility. Identifiers: Orphanet 423, MedGen C1866077, MONDO:0011163, OMIM 601887.

Submission:

All of Us Research Program, National Institutes of Health
Classification: Uncertain significance for Malignant hyperthermia, susceptibility to, 5. Last evaluated: 2023-03-28. Review status: criteria provided, single submitter. Criteria: ACMG Guidelines, 2015. Collection method: clinical testing. Allele origin: germline. Inheritance: Autosomal dominant inheritance. Observed: 1 variant allele, 1 heterozygote.
Comment: This study involves interpretation of variants in research participants for the purpose of population health screening. Participant phenotype was not available at the time of variant classification. Additional details can be found in publication PMID: 35346344, PMCID: PMC8962531